The following is an entry in ClinVar:

NM_001369.3(DNAH5):c.11057T>C (p.Val3686Ala)

Gene: DNAH5 (dynein axonemal heavy chain 5; minus strand). Cytogenetic location: 5p15.2.
Variant type: single nucleotide variant.
Coding change: c.11057T>C on transcript NM_001369.3 (MANE Select); coding-DNA position 11057, T replaced by C.
Protein change: p.Val3686Ala; replaces valine 3686 with alanine.
Molecular consequence: missense variant.
Genome position (GRCh38, 1-based): chr5:13,751,232, A>G on the plus strand (T>C on the coding strand, the complement: DNAH5 is on the minus strand). VCF-style: chr5-13751232-A-G. GRCh37 (hg19) VCF-style: chr5-13751341-A-G.
Other names: short protein forms V3686A.
Identifiers: ClinVar variation 1434984 (VCV001434984.8), dbSNP rs1750176019, ClinGen allele CA359189307.

ClinVar aggregate classification (germline): Uncertain significance (1 of 4 stars; one submission).

Conditions:
Primary ciliary dyskinesia. Also called: Ciliary dyskinesia. Identifiers: Orphanet 244, MedGen C0008780, MONDO:0016575, HP:0012265.

Allele frequency attached by ClinVar (database versions not stated): gnomAD exomes below 0.00001.
gnomAD v4.1: 1 of 1,613,838 alleles (0.000062%); highest among the groups gnomAD compares: Admixed American, 0.0017%; no homozygotes.

Submission:

Labcorp Genetics (formerly Invitae), Labcorp
Classification: Uncertain significance for Primary ciliary dyskinesia. Last evaluated: 2021-04-02. Review status: criteria provided, single submitter. Criteria: Invitae Variant Classification Sherloc (09022015). Collection method: clinical testing. Allele origin: germline.
Comment: In summary, the available evidence is currently insufficient to determine the role of this variant in disease. Therefore, it has been classified as a Variant of Uncertain Significance. Advanced modeling of protein sequence and biophysical properties (such as structural, functional, and spatial information, amino acid conservation, physicochemical variation, residue mobility, and thermodynamic stability) performed at Invitae indicates that this missense variant is not expected to disrupt DNAH5 protein function. This variant has not been reported in the literature in individuals with DNAH5-related conditions. This variant is not present in population databases (ExAC no frequency). This sequence change replaces valine with alanine at codon 3686 of the DNAH5 protein (p.Val3686Ala). The valine residue is highly conserved and there is a small physicochemical difference between valine and alanine.